The following is an entry in ClinVar:

ClinVar aggregate classification (germline): Uncertain significance (1 of 4 stars; one submission).

Conditions:
Inborn genetic diseases. Identifiers: MedGen C0950123, MeSH D030342.

Submission:

Ambry Genetics
Classification: Uncertain significance for Inborn genetic diseases. Last evaluated: 2026-06-20. Review status: criteria provided, single submitter. Criteria: Ambry Variant Classification Scheme 2023. Collection method: clinical testing. Allele origin: germline.
Comment: The p.Q1234K variant (also known as c.3700C>A), located in coding exon 17 of the MECOM gene, results from a C to A substitution at nucleotide position 3700. The glutamine at codon 1234 is replaced by lysine, an amino acid with similar properties. This amino acid position is conserved. In addition, the in silico prediction for this alteration is inconclusive. Based on the available evidence, the clinical significance of this variant remains unclear.

NM_004991.4(MECOM):c.3700C>A (p.Gln1234Lys)

Gene: MECOM (MDS1 and EVI1 complex locus; minus strand). Cytogenetic location: 3q26.2.
Variant type: single nucleotide variant.
Coding change: c.3700C>A on transcript NM_004991.4 (MANE Select); coding-DNA position 3700, C replaced by A.
Protein change: p.Gln1234Lys; replaces glutamine 1234 with lysine.
Molecular consequence: missense variant.
Genome position (GRCh38, 1-based): chr3:169,084,929, G>T on the plus strand (C>A on the coding strand, the complement: MECOM is on the minus strand). VCF-style: chr3-169084929-G-T. GRCh37 (hg19) VCF-style: chr3-168802717-G-T.
Other names: c.3331C>A, p.Gln1111Lys (NM_001105077.4); c.3136C>A, p.Gln1046Lys (NM_001105078.4, NM_001205194.2, NM_001366469.2 and 1 more transcripts); c.3112C>A, p.Gln1038Lys (NM_001163999.2, NM_001366470.2); c.3109C>A, p.Gln1037Lys (NM_001164000.2, NM_001366471.2, NM_001366472.2); c.3673C>A, p.Gln1225Lys (NM_001366466.2); c.3139C>A, p.Gln1047Lys (NM_001366467.2, NM_001366468.2); c.2701C>A, p.Gln901Lys (NM_001366473.2); c.2137C>A, p.Gln713Lys (NM_001366474.2); short protein forms Q713K, Q1037K, Q1234K, Q1111K, Q1225K, Q1038K, Q1046K, Q1047K.
Identifiers: ClinVar variation 5024113 (VCV005024113.1).